The following is an entry in ClinVar:

ClinVar aggregate classification (germline): Pathogenic (1 of 4 stars; one submission).

Conditions:
Hereditary cancer-predisposing syndrome. Also called: Tumor predisposition; Neoplastic Syndromes, Hereditary; Hereditary Cancer Syndrome; Hereditary neoplastic syndrome. Identifiers: Orphanet 140162, MedGen C0027672, MeSH D009386, MONDO:0015356.

Submission:

Ambry Genetics
Classification: Pathogenic for Hereditary cancer-predisposing syndrome. Last evaluated: 2024-08-19. Review status: criteria provided, single submitter. Criteria: Ambry Variant Classification Scheme 2023. Collection method: clinical testing. Allele origin: germline.
Comment: The p.L455* pathogenic mutation (also known as c.1364T>A), located in coding exon 9 of the FH gene, results from a T to A substitution at nucleotide position 1364. This changes the amino acid from a leucine to a stop codon within coding exon 9. This alteration occurs at the 3' terminus of theFH gene, is not expected to trigger nonsense-mediated mRNA decay, and only impacts the last 11% of the protein. However, premature stop codons are typically deleterious in nature, and a significant portion of the protein is affected (Ambry internal data). This variant has been observed in at least one individual with a personal and/or family history that is consistent with Hereditary Leiomyomatosis and Renal Cell Cancer (Ambry internal data). This variant is considered to be rare based on population cohorts in the Genome Aggregation Database (gnomAD). Based on the supporting evidence, this variant is interpreted as a disease-causing mutation.

NM_000143.4(FH):c.1364T>A (p.Leu455Ter)

Gene: FH (fumarate hydratase; minus strand). Cytogenetic location: 1q43.
Variant type: single nucleotide variant.
Coding change: c.1364T>A on transcript NM_000143.4 (MANE Select); coding-DNA position 1364, T replaced by A.
Protein change: p.Leu455Ter; replaces leucine 455 with a stop codon.
Molecular consequence: nonsense.
Genome position (GRCh38, 1-based): chr1:241,500,463, A>T on the plus strand (T>A on the coding strand, the complement: FH is on the minus strand). VCF-style: chr1-241500463-A-T. GRCh37 (hg19) VCF-style: chr1-241663763-A-T.
Other names: short protein forms L455*.
Identifiers: ClinVar variation 3515092 (VCV003515092.1).
Genomic context (GRCh38, chr1:241,500,463, plus strand): 5'-TTCAAAATGATATTATTATTCCTTAAACACTTACCTATATGAGGATTGAGAGCTGTCACC[A>T]ACATTAGAGACTCATTCATCAGCTTGTTGATCCTTTCTGTATTGGCCTGGATTCCCACCA-3'